The following is an entry in ClinVar:

NM_005515.4(MNX1):c.364G>A (p.Ala122Thr)

Gene: MNX1 (motor neuron and pancreas homeobox 1; minus strand). Cytogenetic location: 7q36.3.
Variant type: single nucleotide variant.
Coding change: c.364G>A on transcript NM_005515.4 (MANE Select); coding-DNA position 364, G replaced by A.
Protein change: p.Ala122Thr; replaces alanine 122 with threonine.
Molecular consequence: missense variant.
Genome position (GRCh38, 1-based): chr7:157,009,987, C>T on the plus strand (G>A on the coding strand, the complement: MNX1 is on the minus strand). VCF-style: chr7-157009987-C-T. GRCh37 (hg19) VCF-style: chr7-156802681-C-T.
Other names: short protein forms A122T.
Identifiers: ClinVar variation 4763601 (VCV004763601.1).
Genomic context (GRCh38, chr7:157,009,987, plus strand): 5'-GCAGCCCCAGCGCCAGGCCCCCAGCGGCGGCGGCGGCGGCGGCGGCGGCGGCAGCGGCCG[C>T]TGCGCCCGGATGCGCGTGGTGGTGGGGCCCCCCGTGCCCGCCGCCCGTGCCGCCGCCGCC-3'
Protein context (NP_005506.3, residues 112-132): GPHHHAHPGA[Ala122Thr]AAAAAAAAAA

ClinVar aggregate classification (germline): Uncertain significance (1 of 4 stars; one submission).

gnomAD v4.1: 1 of 984,450 alleles (0.0001%); highest among the groups gnomAD compares: Non-Finnish European, 0.00012%; no homozygotes.

Submission:

Labcorp Genetics (formerly Invitae), Labcorp
Classification: Uncertain significance. Last evaluated: 2025-10-14. Review status: criteria provided, single submitter. Criteria: Invitae Variant Classification Sherloc (09022015). Collection method: clinical testing. Allele origin: germline.
Comment: This sequence change replaces alanine, which is neutral and non-polar, with threonine, which is neutral and polar, at codon 122 of the MNX1 protein (p.Ala122Thr). The frequency data for this variant in the population databases is considered unreliable, as metrics indicate insufficient coverage at this position in the gnomAD database. This variant has not been reported in the literature in individuals affected with MNX1-related conditions. Invitae Evidence Modeling of protein sequence and biophysical properties (such as structural, functional, and spatial information, amino acid conservation, physicochemical variation, residue mobility, and thermodynamic stability) indicates that this missense variant is not expected to disrupt MNX1 protein function with a negative predictive value of 80%. In summary, the available evidence is currently insufficient to determine the role of this variant in disease. Therefore, it has been classified as a Variant of Uncertain Significance.